The following is an entry in ClinVar:

NM_006282.5(STK4):c.972A>C (p.Glu324Asp)

Gene: STK4 (serine/threonine kinase 4; plus strand). Cytogenetic location: 20q13.12.
Variant type: single nucleotide variant.
Coding change: c.972A>C on transcript NM_006282.5 (MANE Select); coding-DNA position 972, A replaced by C.
Protein change: p.Glu324Asp; replaces glutamic acid 324 with aspartic acid.
Molecular consequence: missense variant.
Genome position (GRCh38, 1-based): chr20:45,001,178, A>C. VCF-style: chr20-45001178-A-C. GRCh37 (hg19) VCF-style: chr20-43629819-A-C.
Other names: c.972A>C, p.Glu324Asp (NM_001352385.2); short protein forms E324D.
Identifiers: ClinVar variation 1514768 (VCV001514768.6), dbSNP rs2145697297, ClinGen allele CA409126478.

ClinVar aggregate classification (germline): Uncertain significance (1 of 4 stars; one submission).

Conditions:
Combined immunodeficiency due to STK4 deficiency (IMD110). Also called: T-cell immunodeficiency, recurrent infections, and autoimmunity with or without cardiac malformations; STK4 DEFICIENCY; MST1 DEFICIENCY. Identifiers: Orphanet 314689, MedGen C3553943, MONDO:0013934, OMIM 614868.

Submission:

Labcorp Genetics (formerly Invitae), Labcorp
Classification: Uncertain significance for Combined immunodeficiency due to STK4 deficiency. Last evaluated: 2022-08-16. Review status: criteria provided, single submitter. Criteria: Invitae Variant Classification Sherloc (09022015). Collection method: clinical testing. Allele origin: germline.
Comment: This variant has not been reported in the literature in individuals affected with STK4-related conditions. This sequence change replaces glutamic acid with aspartic acid at codon 324 of the STK4 protein (p.Glu324Asp). The glutamic acid residue is moderately conserved and there is a small physicochemical difference between glutamic acid and aspartic acid. This variant is not present in population databases (gnomAD no frequency). ClinVar contains an entry for this variant (Variation ID: 1514768). Advanced modeling of protein sequence and biophysical properties (such as structural, functional, and spatial information, amino acid conservation, physicochemical variation, residue mobility, and thermodynamic stability) performed at Invitae indicates that this missense variant is not expected to disrupt STK4 protein function. In summary, the available evidence is currently insufficient to determine the role of this variant in disease. Therefore, it has been classified as a Variant of Uncertain Significance.